The following is an entry in ClinVar:

NM_001017979.3(RAB28):c.76-9A>G

Gene: RAB28 (RAB28, member RAS oncogene family; minus strand). Cytogenetic location: 4p15.33.
Variant type: single nucleotide variant.
Coding change: c.76-9A>G on transcript NM_001017979.3 (MANE Select); 9 bases into the intron before coding-DNA position 76, A replaced by G.
Molecular consequence: intron variant.
Genome position (GRCh38, 1-based): chr4:13,479,535, T>C on the plus strand (A>G on the coding strand, the complement: RAB28 is on the minus strand). VCF-style: chr4-13479535-T-C. GRCh37 (hg19) VCF-style: chr4-13481159-T-C.
Other names: c.76-9A>G (NM_004249.4, NM_001159601.2).
Identifiers: ClinVar variation 839900 (VCV000839900.10), dbSNP rs372774679, ClinGen allele CA2860223.
Genomic context (GRCh38, chr4:13,479,535, plus strand): 5'-GTTTGTACTGTTTCCCAAAAGTTTCTTGAGCAAAACACGTAGTTAAGGAGGTCTAAAAAA[T>C]TGATGCACAGAATGTCAAAATTAATTCATTAAAGAAATGTAATCATAAGACCACTATAAA-3'

ClinVar aggregate classification (germline): Conflicting classifications of pathogenicity. Review status: criteria provided, conflicting classifications (1 of 4 stars). 2 submissions from 2 submitters: Pathogenic (1); Uncertain significance (1). Last evaluated 2025-11-10.

Allele frequency attached by ClinVar (database versions not stated): gnomAD exomes 0.00001 and 0.00002; gnomAD 0.00002; ExAC 0.00003; TOPMed 0.00003; ESP Exome Variant Server 0.00008.

Submissions (2):

Labcorp Genetics (formerly Invitae), Labcorp
Classification: Pathogenic. Last evaluated: 2025-11-10. Review status: criteria provided, single submitter. Criteria: Invitae Variant Classification Sherloc (09022015). Collection method: clinical testing. Allele origin: germline.
Comment: This sequence change falls in intron 1 of the RAB28 gene. It does not directly change the encoded amino acid sequence of the RAB28 protein. This variant is present in population databases (rs372774679, gnomAD 0.007%). This variant has been observed in individuals with RAB28-related conditions (PMID: 33396523; internal data). ClinVar contains an entry for this variant (Variation ID: 839900). Algorithms developed to predict the effect of sequence changes on RNA splicing suggest that this variant may disrupt the consensus splice site. For these reasons, this variant has been classified as Pathogenic.

Blueprint Genetics
Classification: Uncertain significance. Last evaluated: 2024-03-26. Review status: criteria provided, single submitter. Criteria: ACMG Guidelines, 2015. Collection method: clinical testing. Allele origin: germline.

Literature cited by the submitters: PubMed 33396523 (cited by Labcorp Genetics (formerly Invitae), Labcorp).